The following is an entry in ClinVar:

ClinVar aggregate classification (germline): Uncertain significance. Review status: criteria provided, multiple submitters, no conflicts (2 of 4 stars). 2 submissions from 2 submitters: Uncertain significance (2). Last evaluated 2022-09-06.

Conditions:
Congenital contractural arachnodactyly (CCA). Also called: BEALS SYNDROME; Beals-Hecht syndrome; Arthrogryposis, distal, type 9. Identifiers: Orphanet 115, MedGen C0220668, MONDO:0007363, OMIM 121050.

Allele frequency attached by ClinVar (database versions not stated): ExAC 0.00001; gnomAD exomes 0.00001; TOPMed 0.00001.

Submissions (2):

Labcorp Genetics (formerly Invitae), Labcorp
Classification: Uncertain significance for Congenital contractural arachnodactyly. Last evaluated: 2022-09-06. Review status: criteria provided, single submitter. Criteria: Invitae Variant Classification Sherloc (09022015). Collection method: clinical testing. Allele origin: germline.
Comment: In summary, the available evidence is currently insufficient to determine the role of this variant in disease. Therefore, it has been classified as a Variant of Uncertain Significance. This sequence change replaces serine, which is neutral and polar, with cysteine, which is neutral and slightly polar, at codon 298 of the FBN2 protein (p.Ser298Cys). This variant is present in population databases (rs577855501, gnomAD 0.003%). This variant has not been reported in the literature in individuals affected with FBN2-related conditions. ClinVar contains an entry for this variant (Variation ID: 578548). Advanced modeling of protein sequence and biophysical properties (such as structural, functional, and spatial information, amino acid conservation, physicochemical variation, residue mobility, and thermodynamic stability) performed at Invitae indicates that this missense variant is expected to disrupt FBN2 protein function.

Blueprint Genetics
Classification: Uncertain significance. Last evaluated: 2020-06-04. Review status: criteria provided, single submitter. Criteria: ACMG Guidelines, 2015. Collection method: clinical testing. Allele origin: germline.

NM_001999.4(FBN2):c.893C>G (p.Ser298Cys)

Gene: FBN2 (fibrillin 2; minus strand). Cytogenetic location: 5q23.3.
Variant type: single nucleotide variant.
Coding change: c.893C>G on transcript NM_001999.4 (MANE Select); coding-DNA position 893, C replaced by G.
Protein change: p.Ser298Cys; replaces serine 298 with cysteine.
Molecular consequence: missense variant.
Genome position (GRCh38, 1-based): chr5:128,446,540, G>C on the plus strand (C>G on the coding strand, the complement: FBN2 is on the minus strand). VCF-style: chr5-128446540-G-C. GRCh37 (hg19) VCF-style: chr5-127782233-G-C.
Other names: short protein forms S298C.
Identifiers: ClinVar variation 578548 (VCV000578548.10), dbSNP rs577855501, ClinGen allele CA3395961.
Genomic context (GRCh38, chr5:128,446,540, plus strand): 5'-CCTTCACATTTCTGAGTAGTTTCACTCTGTTTGTGACCAGCAGGGCATCTGCATTCAAAA[G>C]AGCCCACTGTATTGATACAGTTTCCTCCTTGGCATATCCCTGGGATAGCCTGGCATTCAT-3'
Protein context (NP_001990.2, residues 288-308): QGGNCINTVG[Ser298Cys]FECRCPAGHK